The following is an entry in ClinVar:

ClinVar aggregate classification (germline): Uncertain significance (1 of 4 stars; one submission).

Allele frequency attached by ClinVar (database versions not stated): ExAC 0.00001; gnomAD exomes below 0.00001.
gnomAD v4.1: 7 of 1,611,438 alleles (0.00043%); highest among the groups gnomAD compares: Non-Finnish European, 0.00051%; no homozygotes.

Submission:

Labcorp Genetics (formerly Invitae), Labcorp
Classification: Uncertain significance. Last evaluated: 2022-08-19. Review status: criteria provided, single submitter. Criteria: Invitae Variant Classification Sherloc (09022015). Collection method: clinical testing. Allele origin: germline.
Comment: This sequence change replaces glutamic acid, which is acidic and polar, with lysine, which is basic and polar, at codon 133 of the USH1C protein (p.Glu133Lys). The frequency data for this variant in the population databases is considered unreliable, as metrics indicate poor data quality at this position in the gnomAD database. This variant has not been reported in the literature in individuals affected with USH1C-related conditions. Algorithms developed to predict the effect of missense changes on protein structure and function are either unavailable or do not agree on the potential impact of this missense change (SIFT: "Deleterious"; PolyPhen-2: "Probably Damaging"; Align-GVGD: "Class C15"). In summary, the available evidence is currently insufficient to determine the role of this variant in disease. Therefore, it has been classified as a Variant of Uncertain Significance.

NM_153676.4(USH1C):c.397G>A (p.Glu133Lys)

Gene: USH1C (USH1 protein network component harmonin; minus strand). Cytogenetic location: 11p15.1.
Variant type: single nucleotide variant.
Coding change: c.397G>A on transcript NM_153676.4 (MANE Select); coding-DNA position 397, G replaced by A.
Protein change: p.Glu133Lys; replaces glutamic acid 133 with lysine.
Molecular consequence: missense variant. On other transcripts: non-coding transcript variant (1).
Genome position (GRCh38, 1-based): chr11:17,527,322, C>T on the plus strand (G>A on the coding strand, the complement: USH1C is on the minus strand). VCF-style: chr11-17527322-C-T. GRCh37 (hg19) VCF-style: chr11-17548869-C-T.
Other names: c.397G>A, p.Glu133Lys (NM_001297764.2, NM_005709.4); short protein forms E133K.
Identifiers: ClinVar variation 1978972 (VCV001978972.1), dbSNP rs758424766, ClinGen allele CA5905056.